The following is an entry in ClinVar:

ClinVar aggregate classification (germline): Likely benign. Review status: criteria provided, multiple submitters, no conflicts (2 of 4 stars). 2 submissions from 2 submitters: Likely benign (2). Last evaluated 2026-01-01.

Allele frequency attached by ClinVar (database versions not stated): gnomAD exomes below 0.00001.

Submissions (2):

CeGaT Center for Human Genetics Tuebingen
Classification: Likely benign. Last evaluated: 2026-01-01. Review status: criteria provided, single submitter. Criteria: CeGaT Center For Human Genetics Tuebingen Variant Classification Criteria Version 2. Collection method: clinical testing. Allele origin: germline. Affected: yes. Observed: 1 variant allele.
Comment: SIN3A: BP4, BP7

Labcorp Genetics (formerly Invitae), Labcorp
Classification: Likely benign. Last evaluated: 2023-06-23. Review status: criteria provided, single submitter. Criteria: Invitae Variant Classification Sherloc (09022015). Collection method: clinical testing. Allele origin: germline.

NM_001145358.2(SIN3A):c.2511G>A (p.Glu837=)

Gene: SIN3A (SIN3 transcription regulator family member A; minus strand). Cytogenetic location: 15q24.2.
Variant type: single nucleotide variant.
Coding change: c.2511G>A on transcript NM_001145358.2 (MANE Select); coding-DNA position 2511, G replaced by A.
Protein change: p.Glu837=; no amino-acid change (glutamic acid 837 retained).
Molecular consequence: synonymous variant.
Genome position (GRCh38, 1-based): chr15:75,392,582, C>T on the plus strand (G>A on the coding strand, the complement: SIN3A is on the minus strand). VCF-style: chr15-75392582-C-T. GRCh37 (hg19) VCF-style: chr15-75684923-C-T.
Other names: c.2511G>A, p.Glu837= (NM_001145357.2, NM_015477.3).
Identifiers: ClinVar variation 2726653 (VCV002726653.7), dbSNP rs2543076116, ClinGen allele CA491497299.